The following is an entry in ClinVar:

NM_080680.3(COL11A2):c.5083C>T (p.Arg1695Trp)

Gene: COL11A2 (collagen type XI alpha 2 chain; minus strand). Cytogenetic location: 6p21.32.
Variant type: single nucleotide variant.
Coding change: c.5083C>T on transcript NM_080680.3 (MANE Select); coding-DNA position 5083, C replaced by T.
Protein change: p.Arg1695Trp; replaces arginine 1695 with tryptophan.
Molecular consequence: missense variant.
Genome position (GRCh38, 1-based): chr6:33,163,806, G>A on the plus strand (C>T on the coding strand, the complement: COL11A2 is on the minus strand). VCF-style: chr6-33163806-G-A. GRCh37 (hg19) VCF-style: chr6-33131583-G-A.
Other names: c.4762C>T, p.Arg1588Trp (NM_080679.3); c.4825C>T, p.Arg1609Trp (NM_080681.3); short protein forms R1695W, R1609W, R1588W.
Identifiers: ClinVar variation 391128 (VCV000391128.16), dbSNP rs534700620, ClinGen allele CA3749909.

ClinVar aggregate classification (germline): Conflicting classifications of pathogenicity. Review status: criteria provided, conflicting classifications (1 of 4 stars). 2 submissions from 2 submitters: Uncertain significance (1); Likely benign (1). Last evaluated 2026-09-11.

Allele frequency attached by ClinVar (database versions not stated): gnomAD 0.00001 and 0.00003; TOPMed 0.00003; gnomAD exomes 0.00006 and 0.00011; ExAC 0.00007; 1000 Genomes Project 0.00020; 1000 Genomes Project 30x 0.00031.
gnomAD v4.1: 85 of 1,612,976 alleles (0.0053%); highest among the groups gnomAD compares: South Asian, 0.054%; 2 homozygotes.

Submissions (2):

GeneDx
Classification: Uncertain significance. Last evaluated: 2026-09-11. Review status: criteria provided, single submitter. Criteria: GeneDx Variant Classification Process June 2021. Collection method: clinical testing. Allele origin: germline.
Comment: In silico analysis supports that this missense variant has a deleterious effect on protein structure/function; Has not been previously published as pathogenic or benign to our knowledge

Labcorp Genetics (formerly Invitae), Labcorp
Classification: Likely benign. Last evaluated: 2025-11-25. Review status: criteria provided, single submitter. Criteria: Invitae Variant Classification Sherloc (09022015). Collection method: clinical testing. Allele origin: germline.